The following is an entry in ClinVar:

NM_173494.2(DNAAF6):c.160G>A (p.Gly54Ser)

Gene: DNAAF6 (dynein axonemal assembly factor 6; plus strand). Cytogenetic location: Xq22.3.
Variant type: single nucleotide variant.
Coding change: c.160G>A on transcript NM_173494.2 (MANE Select); coding-DNA position 160, G replaced by A.
Protein change: p.Gly54Ser; replaces glycine 54 with serine.
Molecular consequence: missense variant.
Genome position (GRCh38, 1-based): chrX:107,216,677, G>A. VCF-style: chrX-107216677-G-A. GRCh37 (hg19) VCF-style: chrX-106459907-G-A.
Other names: c.160G>A, p.Gly54Ser (NM_001169154.2); short protein forms G54S.
Identifiers: ClinVar variation 4755115 (VCV004755115.1).
Genomic context (GRCh38, chrX:107,216,677, plus strand): 5'-TATAGGTTATACAAGTATTAATTACAGAATATTGAACTTTTTCTCCTCCCTCAGACAAAT[G>A]GTTTATCTACTATTGGAGCCATGGGTCCTGGGAATATTGGACCACCCCAAATAGAAGAGC-3'
Protein context (NP_775765.1, residues 44-64): EDDSDYGQTN[Gly54Ser]LSTIGAMGPG

ClinVar aggregate classification (germline): Uncertain significance (1 of 4 stars; one submission).

gnomAD v4.1: 5 of 1,189,457 alleles (0.00042%); highest among the groups gnomAD compares: Non-Finnish European, 0.00045%; no homozygotes.

Submission:

Labcorp Genetics (formerly Invitae), Labcorp
Classification: Uncertain significance. Last evaluated: 2025-06-29. Review status: criteria provided, single submitter. Criteria: Invitae Variant Classification Sherloc (09022015). Collection method: clinical testing. Allele origin: germline.
Comment: This sequence change replaces glycine, which is neutral and non-polar, with serine, which is neutral and polar, at codon 54 of the PIH1D3 protein (p.Gly54Ser). This variant is present in population databases (no rsID available, gnomAD 0.01%), including at least one homozygous and/or hemizygous individual. This variant has not been reported in the literature in individuals affected with PIH1D3-related conditions. An algorithm developed to predict the effect of missense changes on protein structure and function outputs the following: PolyPhen-2: "Benign". The serine amino acid residue is found in multiple mammalian species, which suggests that this missense change does not adversely affect protein function. In summary, the available evidence is currently insufficient to determine the role of this variant in disease. Therefore, it has been classified as a Variant of Uncertain Significance.